The following is an entry in ClinVar:

NM_016239.4(MYO15A):c.3897C>A (p.Phe1299Leu)

Gene: MYO15A (myosin XVA; plus strand). Cytogenetic location: 17p11.2.
Variant type: single nucleotide variant.
Coding change: c.3897C>A on transcript NM_016239.4 (MANE Select); coding-DNA position 3897, C replaced by A.
Protein change: p.Phe1299Leu; replaces phenylalanine 1299 with leucine.
Molecular consequence: missense variant.
Genome position (GRCh38, 1-based): chr17:18,126,821, C>A. VCF-style: chr17-18126821-C-A. GRCh37 (hg19) VCF-style: chr17-18030135-C-A.
Other names: short protein forms F1299L.
Identifiers: ClinVar variation 1302285 (VCV001302285.2), dbSNP rs761922773, ClinGen allele CA398590571.

ClinVar aggregate classification (germline): Uncertain significance (1 of 4 stars; one submission).

gnomAD v4.1: 12 of 1,614,058 alleles (0.00074%); highest among the groups gnomAD compares: Non-Finnish European, 0.001%; no homozygotes.

Submission:

GeneDx
Classification: Uncertain significance. Last evaluated: 2019-07-10. Review status: criteria provided, single submitter. Criteria: GeneDx Variant Classification Process June 2021. Collection method: clinical testing. Allele origin: germline. Affected: yes.
Comment: Not observed in large population cohorts (Lek et al., 2016); In silico analysis, which includes protein predictors and evolutionary conservation, supports a deleterious effect; Has not been previously published as pathogenic or benign to our knowledge